The following is an entry in ClinVar:

ClinVar aggregate classification (germline): Uncertain significance (1 of 4 stars; one submission).

gnomAD v4.1: 14 of 1,614,024 alleles (0.00087%); highest among the groups gnomAD compares: South Asian, 0.0022%; no homozygotes.

Submission:

GeneDx
Classification: Uncertain significance. Last evaluated: 2021-05-04. Review status: criteria provided, single submitter. Criteria: GeneDx Variant Classification Process June 2021. Collection method: clinical testing. Allele origin: germline. Affected: yes.
Comment: Has not been previously published as pathogenic or benign to our knowledge; Not observed at a significant frequency in large population cohorts (Lek et al., 2016); In silico analysis supports that this missense variant has a deleterious effect on protein structure/function

NM_183357.3(ADCY5):c.3013G>A (p.Ala1005Thr)

Gene: ADCY5 (adenylate cyclase 5; minus strand). Cytogenetic location: 3q21.1.
Variant type: single nucleotide variant.
Coding change: c.3013G>A on transcript NM_183357.3 (MANE Select); coding-DNA position 3013, G replaced by A.
Protein change: p.Ala1005Thr; replaces alanine 1005 with threonine.
Molecular consequence: missense variant.
Genome position (GRCh38, 1-based): chr3:123,296,134, C>T on the plus strand (G>A on the coding strand, the complement: ADCY5 is on the minus strand). VCF-style: chr3-123296134-C-T. GRCh37 (hg19) VCF-style: chr3-123014981-C-T.
Other names: c.1963G>A, p.Ala655Thr (NM_001199642.1); c.3088G>A, p.Ala1030Thr (NM_001378259.1); short protein forms A1005T, A1030T, A655T.
Identifiers: ClinVar variation 1327656 (VCV001327656.2), dbSNP rs1386912280, ClinGen allele CA354224110.